The following is an entry in ClinVar:

ClinVar aggregate classification (germline): Uncertain significance (1 of 4 stars; one submission).

Conditions:
Inborn genetic diseases. Identifiers: MedGen C0950123, MeSH D030342.

Submission:

Ambry Genetics
Classification: Uncertain significance for Inborn genetic diseases. Last evaluated: 2023-04-18. Review status: criteria provided, single submitter. Criteria: Ambry Variant Classification Scheme 2023. Collection method: clinical testing. Allele origin: germline.
Comment: The p.K2151E variant (also known as c.6451A>G), located in coding exon 24 of the F5 gene, results from an A to G substitution at nucleotide position 6451. The lysine at codon 2151 is replaced by glutamic acid, an amino acid with similar properties. This amino acid position is conserved. In addition, the in silico prediction for this alteration is inconclusive. Since supporting evidence is limited at this time, the clinical significance of this alteration remains unclear.

NM_000130.5(F5):c.6451A>G (p.Lys2151Glu)

Gene: F5 (coagulation factor V; minus strand). Cytogenetic location: 1q24.2.
Variant type: single nucleotide variant.
Coding change: c.6451A>G on transcript NM_000130.5 (MANE Select); coding-DNA position 6451, A replaced by G.
Protein change: p.Lys2151Glu; replaces lysine 2151 with glutamic acid.
Molecular consequence: missense variant.
Genome position (GRCh38, 1-based): chr1:169,515,521, T>C on the plus strand (A>G on the coding strand, the complement: F5 is on the minus strand). VCF-style: chr1-169515521-T-C. GRCh37 (hg19) VCF-style: chr1-169484759-T-C.
Other names: short protein forms K2151E.
Identifiers: ClinVar variation 2567184 (VCV002567184.2), dbSNP rs2526329375, ClinGen allele CA343118565.
Genomic context (GRCh38, chr1:169,515,521, plus strand): 5'-ATTTCAGCCTGTATGGTTTCCATTCCACTCCCTGCTCACTGTAGTGGATGGTATAGCTCT[T>C]TACATACATTTCAGAGGACAGAGACTTGCAGCCCTGTGTTATAATTGCCGTTATCTTCTT-3'
Protein context (NP_000121.2, residues 2141-2161): CKSLSSEMYV[Lys2151Glu]SYTIHYSEQG